The following is an entry in ClinVar:

NM_017617.5(NOTCH1):c.4931T>C (p.Leu1644Pro)

Gene: NOTCH1 (notch receptor 1; minus strand). Cytogenetic location: 9q34.3.
Variant type: single nucleotide variant.
Coding change: c.4931T>C on transcript NM_017617.5 (MANE Select); coding-DNA position 4931, T replaced by C.
Protein change: p.Leu1644Pro; replaces leucine 1644 with proline.
Molecular consequence: missense variant.
Genome position (GRCh38, 1-based): chr9:136,504,760, A>G on the plus strand (T>C on the coding strand, the complement: NOTCH1 is on the minus strand). VCF-style: chr9-136504760-A-G. GRCh37 (hg19) VCF-style: chr9-139399212-A-G.
Other names: short protein forms L1644P.
Identifiers: ClinVar variation 1917542 (VCV001917542.6), dbSNP rs1034126352, ClinGen allele CA201643810.

ClinVar aggregate classification (germline): Uncertain significance. Review status: criteria provided, multiple submitters, no conflicts (2 of 4 stars). 2 submissions from 2 submitters: Uncertain significance (2). Last evaluated 2025-10-06.

Conditions:
Adams-Oliver syndrome 5 (AOS5). Identifiers: Orphanet 974, MedGen C4014970, MONDO:0014459, OMIM 616028.

Submissions (2):

Labcorp Genetics (formerly Invitae), Labcorp
Classification: Uncertain significance for Adams-Oliver syndrome 5. Last evaluated: 2025-10-06. Review status: criteria provided, single submitter. Criteria: Invitae Variant Classification Sherloc (09022015). Collection method: clinical testing. Allele origin: germline.
Comment: This sequence change replaces leucine, which is neutral and non-polar, with proline, which is neutral and non-polar, at codon 1644 of the NOTCH1 protein (p.Leu1644Pro). This variant is not present in population databases (gnomAD no frequency). This variant has not been reported in the literature in individuals affected with NOTCH1-related conditions. ClinVar contains an entry for this variant (Variation ID: 1917542). Invitae Evidence Modeling of protein sequence and biophysical properties (such as structural, functional, and spatial information, amino acid conservation, physicochemical variation, residue mobility, and thermodynamic stability) indicates that this missense variant is not expected to disrupt NOTCH1 protein function with a negative predictive value of 95%. In summary, the available evidence is currently insufficient to determine the role of this variant in disease. Therefore, it has been classified as a Variant of Uncertain Significance.

Blueprint Genetics
Classification: Uncertain significance. Last evaluated: 2018-08-21. Review status: criteria provided, single submitter. Criteria: ACMG Guidelines, 2015. Collection method: clinical testing. Allele origin: germline.